The following is an entry in ClinVar:

NM_001290321.3(DMXL1):c.5953G>C (p.Glu1985Gln)

Gene: DMXL1 (Dmx like 1; plus strand). Cytogenetic location: 5q23.1.
Variant type: single nucleotide variant.
Coding change: c.5953G>C on transcript NM_001290321.3 (MANE Select); coding-DNA position 5953, G replaced by C.
Protein change: p.Glu1985Gln; replaces glutamic acid 1985 with glutamine.
Molecular consequence: missense variant. On other transcripts: non-coding transcript variant (3).
Genome position (GRCh38, 1-based): chr5:119,170,744, G>C. VCF-style: chr5-119170744-G-C. GRCh37 (hg19) VCF-style: chr5-118506439-G-C.
Other names: c.5953G>C, p.Glu1985Gln (NM_001349239.2, NM_001349240.2, NM_001387933.1 and 2 more transcripts); c.5248G>C, p.Glu1750Gln (NM_001387937.1); c.4966G>C, p.Glu1656Gln (NM_001387938.1); c.5953G>C (NM_001290321.2); short protein forms E1985Q, E1656Q, E1750Q.
Identifiers: ClinVar variation 768028 (VCV000768028.5), dbSNP rs79221508, ClinGen allele CA3380473.

ClinVar aggregate classification (germline): Benign. Review status: criteria provided, single submitter (1 of 4 stars). 2 submissions from 2 submitters: Benign (1). 1 of the submissions does not count toward it. Last evaluated 2018-07-23.

Conditions:
DMXL1-related disorder. Also called: DMXL1-related condition.

Allele frequency attached by ClinVar (database versions not stated): gnomAD exomes 0.00077 and 0.00230; ExAC 0.00289; gnomAD 0.00819 and 0.00891; 1000 Genomes Project 0.00839; 1000 Genomes Project 30x 0.00937; TOPMed 0.00957; ESP Exome Variant Server 0.01084.
gnomAD v4.1: 2,402 of 1,612,396 alleles (0.15%); highest among the groups gnomAD compares: African/African-American, 2.9%; 41 homozygotes.

Submissions (2):

Labcorp Genetics (formerly Invitae), Labcorp
Classification: Benign. Last evaluated: 2018-07-23. Review status: criteria provided, single submitter. Criteria: Invitae Variant Classification Sherloc (09022015). Collection method: clinical testing. Allele origin: germline.

PreventionGenetics, part of Exact Sciences
Classification: Benign for DMXL1-related condition. Last evaluated: 2019-02-20. Review status: no assertion criteria provided. Collection method: clinical testing. Allele origin: germline. Not counted in ClinVar's aggregate classification.
Comment: This variant is classified as benign based on ACMG/AMP sequence variant interpretation guidelines (Richards et al. 2015 PMID: 25741868, with internal and published modifications).